The following is an entry in ClinVar:

NM_173086.5(KRT6C):c.332G>A (p.Gly111Asp)

Gene: KRT6C (keratin 6C; minus strand). Cytogenetic location: 12q13.13.
Variant type: single nucleotide variant.
Coding change: c.332G>A on transcript NM_173086.5 (MANE Select); coding-DNA position 332, G replaced by A.
Protein change: p.Gly111Asp; replaces glycine 111 with aspartic acid.
Molecular consequence: missense variant.
Genome position (GRCh38, 1-based): chr12:52,473,406, C>T on the plus strand (G>A on the coding strand, the complement: KRT6C is on the minus strand). VCF-style: chr12-52473406-C-T. GRCh37 (hg19) VCF-style: chr12-52867190-C-T.
Other names: short protein forms G111D.
Identifiers: ClinVar variation 3059266 (VCV003059266.2), dbSNP rs394598, ClinGen allele CA6581600.

ClinVar aggregate classification (germline): Benign (0 of 4 stars; one submission).

Conditions:
KRT6C-related disorder. Also called: KRT6C-related condition.

Allele frequency attached by ClinVar (database versions not stated): ExAC 0.05241.

Submission:

PreventionGenetics, part of Exact Sciences
Classification: Benign for KRT6C-related condition. Last evaluated: 2024-01-03. Review status: no assertion criteria provided. Collection method: clinical testing. Allele origin: germline.
Comment: This variant is classified as benign based on ACMG/AMP sequence variant interpretation guidelines (Richards et al. 2015 PMID: 25741868, with internal and published modifications).